The following is an entry in ClinVar:

NM_001041.4(SI):c.586C>T (p.Gln196Ter)

Gene: SI (sucrase-isomaltase; minus strand). Cytogenetic location: 3q26.1.
Variant type: single nucleotide variant.
Coding change: c.586C>T on transcript NM_001041.4 (MANE Select); coding-DNA position 586, C replaced by T.
Protein change: p.Gln196Ter; replaces glutamine 196 with a stop codon.
Molecular consequence: nonsense.
Genome position (GRCh38, 1-based): chr3:165,067,389, G>A on the plus strand (C>T on the coding strand, the complement: SI is on the minus strand). VCF-style: chr3-165067389-G-A. GRCh37 (hg19) VCF-style: chr3-164785177-G-A.
Other names: short protein forms Q196*.
Identifiers: ClinVar variation 2060397 (VCV002060397.4), dbSNP rs2473432528, ClinGen allele CA355034305.

ClinVar aggregate classification (germline): Pathogenic (1 of 4 stars; one submission).

Submission:

Labcorp Genetics (formerly Invitae), Labcorp
Classification: Pathogenic. Last evaluated: 2021-12-25. Review status: criteria provided, single submitter. Criteria: Invitae Variant Classification Sherloc (09022015). Collection method: clinical testing. Allele origin: germline.
Comment: For these reasons, this variant has been classified as Pathogenic. This variant has not been reported in the literature in individuals affected with SI-related conditions. This variant is not present in population databases (gnomAD no frequency). This sequence change creates a premature translational stop signal (p.Gln196*) in the SI gene. It is expected to result in an absent or disrupted protein product. Loss-of-function variants in SI are known to be pathogenic (PMID: 16329100, 23103650, 25452324).

Literature cited by the submitters: PubMed 16329100; PubMed 23103650; PubMed 25452324.